The following is an entry in ClinVar:

NM_000258.3(MYL3):c.111T>G (p.Phe37Leu)

Gene: MYL3 (myosin light chain 3; minus strand). Cytogenetic location: 3p21.31.
Variant type: single nucleotide variant.
Coding change: c.111T>G on transcript NM_000258.3 (MANE Select); coding-DNA position 111, T replaced by G.
Protein change: p.Phe37Leu; replaces phenylalanine 37 with leucine.
Molecular consequence: missense variant.
Genome position (GRCh38, 1-based): chr3:46,863,280, A>C on the plus strand (T>G on the coding strand, the complement: MYL3 is on the minus strand). VCF-style: chr3-46863280-A-C. GRCh37 (hg19) VCF-style: chr3-46904770-A-C.
Other names: c.111T>G, p.Phe37Leu (NM_001406937.1, NM_001406938.1, NM_001406939.1); short protein forms F37L.
Identifiers: ClinVar variation 3387388 (VCV003387388.1).

ClinVar aggregate classification (germline): Uncertain significance (1 of 4 stars; one submission).

Conditions:
Hypertrophic cardiomyopathy. Also called: HYPERTROPHIC MYOCARDIOPATHY. Identifiers: Orphanet 217569, MedGen C0007194, MeSH D002312, MONDO:0005045, HP:0001639.

Submission:

All of Us Research Program, National Institutes of Health
Classification: Uncertain significance for Hypertrophic cardiomyopathy. Last evaluated: 2024-05-14. Review status: criteria provided, single submitter. Criteria: ACMG Guidelines, 2015. Collection method: clinical testing. Allele origin: germline. Inheritance: Autosomal dominant inheritance. Observed: 1 variant allele, 1 heterozygote.
Comment: This missense variant replaces phenylalanine with leucine at codon 37 of the MYL3 protein. Computational prediction is inconclusive regarding the impact of this variant on protein structure and function (internally defined REVEL score threshold 0.5 < inconclusive < 0.7, PMID: 27666373). To our knowledge, functional studies have not been reported for this variant. This variant has not been reported in individuals affected with MYL3-related disorders in the literature. This variant has not been identified in the general population by the Genome Aggregation Database (gnomAD). The available evidence is insufficient to determine the role of this variant in disease conclusively. Therefore, this variant is classified as a Variant of Uncertain Significance.

This study involves interpretation of variants in research participants for the purpose of population health screening. Participant phenotype was not available at the time of variant classification. Additional details can be found in publication PMID: 35346344, PMCID: PMC8962531